The following is an entry in ClinVar:

NM_024408.4(NOTCH2):c.7042T>C (p.Leu2348=)

Gene: NOTCH2 (notch receptor 2; minus strand). Cytogenetic location: 1p12.
Variant type: single nucleotide variant.
Coding change: c.7042T>C on transcript NM_024408.4 (MANE Select); coding-DNA position 7042, T replaced by C.
Protein change: p.Leu2348=; no amino-acid change (leucine 2348 retained).
Molecular consequence: synonymous variant.
Genome position (GRCh38, 1-based): chr1:119,915,680, A>G on the plus strand (T>C on the coding strand, the complement: NOTCH2 is on the minus strand). VCF-style: chr1-119915680-A-G. GRCh37 (hg19) VCF-style: chr1-120458303-A-G.
Other names: p.Leu2348=.
Identifiers: ClinVar variation 290772 (VCV000290772.27), dbSNP rs61734328, ClinGen allele CA1039329.

ClinVar aggregate classification (germline): Benign/Likely benign. Review status: criteria provided, multiple submitters, no conflicts (2 of 4 stars). 7 submissions from 7 submitters: Benign (4); Likely benign (3). Last evaluated 2026-02-01.

Conditions:
Hajdu-Cheney syndrome (HJCYS). Also called: SERPENTINE FIBULA-POLYCYSTIC KIDNEY SYNDROME; ACROOSTEOLYSIS WITH OSTEOPOROSIS AND CHANGES IN SKULL AND MANDIBLE; Acroosteolysis dominant type. Identifiers: Orphanet 955, MedGen C0917715, MONDO:0007057, OMIM 102500.
Alagille syndrome due to a NOTCH2 point mutation. Also called: Alagille syndrome 2. Identifiers: Orphanet 261629, Orphanet 52, MedGen C1857761, MONDO:0012439, OMIM 610205.

Allele frequency attached by ClinVar (database versions not stated): gnomAD exomes 0.00019 and 0.00061; ExAC 0.00082; 1000 Genomes Project 0.00200; 1000 Genomes Project 30x 0.00219; gnomAD 0.00225 and 0.00241; TOPMed 0.00241; ESP Exome Variant Server 0.00308.
gnomAD v4.1: 630 of 1,613,212 alleles (0.039%); highest among the groups gnomAD compares: African/African-American, 0.77%; 3 homozygotes.

Submissions (7):

Labcorp Genetics (formerly Invitae), Labcorp
Classification: Benign for Hajdu-Cheney syndrome. Last evaluated: 2026-02-01. Review status: criteria provided, single submitter. Criteria: Invitae Variant Classification Sherloc (09022015). Collection method: clinical testing. Allele origin: germline.

CeGaT Center for Human Genetics Tuebingen
Classification: Likely benign. Last evaluated: 2025-08-01. Review status: criteria provided, single submitter. Criteria: CeGaT Center For Human Genetics Tuebingen Variant Classification Criteria Version 2. Collection method: clinical testing. Allele origin: germline. Affected: yes. Observed: 1 variant allele.
Comment: NOTCH2: BP4, BS1

Mayo Clinic Laboratories, Mayo Clinic
Classification: Likely benign. Last evaluated: 2025-05-07. Review status: criteria provided, single submitter. Criteria: ACMG Guidelines, 2015. Collection method: clinical testing. Allele origin: germline. Observed: 2 variant alleles.
Comment: BS1, BP4, BP7

Blueprint Genetics
Classification: Benign. Last evaluated: 2024-11-06. Review status: criteria provided, single submitter. Criteria: ACMG Guidelines, 2015. Collection method: clinical testing. Allele origin: germline.

Fulgent Genetics
Classification: Likely benign for Hajdu-Cheney syndrome; Alagille syndrome due to a NOTCH2 point mutation. Last evaluated: 2021-09-23. Review status: criteria provided, single submitter. Criteria: ACMG Guidelines, 2015. Collection method: clinical testing. Allele origin: unknown.

GeneDx
Classification: Benign. Last evaluated: 2020-05-18. Review status: criteria provided, single submitter. Criteria: GeneDx Variant Classification Process June 2021. Collection method: clinical testing. Allele origin: germline. Affected: yes.

Eurofins Ntd Llc (ga)
Classification: Benign. Last evaluated: 2016-09-01. Review status: criteria provided, single submitter. Criteria: EGL Classification Definitions 2015. Collection method: clinical testing. Allele origin: germline. Observed: 2 variant alleles, 2 heterozygotes.